The following is an entry in ClinVar:

ClinVar aggregate classification (germline): Uncertain significance. Review status: criteria provided, multiple submitters, no conflicts (2 of 4 stars). 2 submissions from 2 submitters: Uncertain significance (2). Last evaluated 2025-11-05.

Conditions:
Inborn genetic diseases. Identifiers: MedGen C0950123, MeSH D030342.
Choanal atresia-athelia-hypothyroidism-delayed puberty-short stature syndrome (BCAHH). Also called: BRANCHIAL ARCH ABNORMALITIES, CHOANAL ATRESIA, ATHELIA, HEARING LOSS, AND HYPOTHYROIDISM SYNDROME. Identifiers: Orphanet 589856, MedGen C5680310, MONDO:0035651, OMIM 620186.
Kabuki syndrome 1 (KABUK1). Also called: KMT2D-Related Kabuki Syndrome. Identifiers: Orphanet 2322, MedGen CN030661, MONDO:0007843, OMIM 147920.

gnomAD v4.1: 1 of 1,602,518 alleles (0.000062%); highest among the groups gnomAD compares: Admixed American, 0.0017%; no homozygotes.

Submissions (2):

Ambry Genetics
Classification: Uncertain significance for Inborn genetic diseases. Last evaluated: 2025-11-05. Review status: criteria provided, single submitter. Criteria: Ambry Variant Classification Scheme 2023. Collection method: clinical testing. Allele origin: germline.
Comment: The c.12308A>G (p.Q4103R) alteration is located in exon 39 (coding exon 39) of the KMT2D gene. This alteration results from a A to G substitution at nucleotide position 12308, causing the glutamine (Q) at amino acid position 4103 to be replaced by an arginine (R). Based on data from gnomAD, the G allele has an overall frequency of <0.001% (1/223080) total alleles studied. The highest observed frequency was 0.003% (1/31174) of Latino alleles. Based on insufficient or conflicting evidence, the clinical significance of this alteration remains unclear.

Fulgent Genetics
Classification: Uncertain significance for Kabuki syndrome 1; Choanal atresia-athelia-hypothyroidism-delayed puberty-short stature syndrome. Last evaluated: 2024-04-23. Review status: criteria provided, single submitter. Criteria: ACMG Guidelines, 2015. Collection method: clinical testing. Allele origin: germline.

NM_003482.4(KMT2D):c.12308A>G (p.Gln4103Arg)

Gene: KMT2D (lysine methyltransferase 2D; minus strand). Cytogenetic location: 12q13.12.
Variant type: single nucleotide variant.
Coding change: c.12308A>G on transcript NM_003482.4 (MANE Select); coding-DNA position 12308, A replaced by G.
Protein change: p.Gln4103Arg; replaces glutamine 4103 with arginine.
Molecular consequence: missense variant.
Genome position (GRCh38, 1-based): chr12:49,032,397, T>C on the plus strand (A>G on the coding strand, the complement: KMT2D is on the minus strand). VCF-style: chr12-49032397-T-C. GRCh37 (hg19) VCF-style: chr12-49426180-T-C.
Other names: short protein forms Q4103R.
Identifiers: ClinVar variation 3574686 (VCV003574686.2).